The following is an entry in ClinVar:

ClinVar aggregate classification (germline): Uncertain significance (1 of 4 stars; one submission).

Conditions:
Familial adenomatous polyposis 1 (FAP1). Also called: FAMILIAL ADENOMATOUS POLYPOSIS 1, ATTENUATED; POLYPOSIS, ADENOMATOUS INTESTINAL. Identifiers: MedGen C2713442, MONDO:0021056, OMIM 175100. Disease mechanism: loss of function.

Submission:

Labcorp Genetics (formerly Invitae), Labcorp
Classification: Uncertain significance for Familial adenomatous polyposis 1. Last evaluated: 2021-06-05. Review status: criteria provided, single submitter. Criteria: Invitae Variant Classification Sherloc (09022015). Collection method: clinical testing. Allele origin: germline.
Comment: In summary, the available evidence is currently insufficient to determine the role of this variant in disease. Therefore, it has been classified as a Variant of Uncertain Significance. Algorithms developed to predict the effect of missense changes on protein structure and function (SIFT, PolyPhen-2, Align-GVGD) all suggest that this variant is likely to be disruptive, but these predictions have not been confirmed by published functional studies and their clinical significance is uncertain. This variant has not been reported in the literature in individuals with APC-related disease. This variant is not present in population databases (ExAC no frequency). This sequence change replaces serine with phenylalanine at codon 2842 of the APC protein (p.Ser2842Phe). The serine residue is highly conserved and there is a large physicochemical difference between serine and phenylalanine.

NM_000038.6(APC):c.8525C>T (p.Ser2842Phe)

Gene: APC (APC regulator of Wnt signaling pathway; plus strand). Cytogenetic location: 5q22.2.
Variant type: single nucleotide variant.
Coding change: c.8525C>T on transcript NM_000038.6 (MANE Select); coding-DNA position 8525, C replaced by T.
Protein change: p.Ser2842Phe; replaces serine 2842 with phenylalanine.
Molecular consequence: missense variant.
Genome position (GRCh38, 1-based): chr5:112,844,119, C>T. VCF-style: chr5-112844119-C-T. GRCh37 (hg19) VCF-style: chr5-112179816-C-T.
Other names: c.8525C>T, p.Ser2842Phe (NM_001127510.3, NM_001354895.2); c.8471C>T, p.Ser2824Phe (NM_001127511.3); c.8579C>T, p.Ser2860Phe (NM_001354896.2); c.8555C>T, p.Ser2852Phe (NM_001354897.2); c.8450C>T, p.Ser2817Phe (NM_001354898.2); c.8441C>T, p.Ser2814Phe (NM_001354899.2); c.8402C>T, p.Ser2801Phe (NM_001354900.2); c.8348C>T, p.Ser2783Phe (NM_001354901.2); and 5 more; short protein forms S2824F, S2842F, S2852F, S2559F, S2716F, S2741F, S2814F, S2817F.
Identifiers: ClinVar variation 568502 (VCV000568502.10), dbSNP rs1561624071, ClinGen allele CA16039819.